The following is an entry in ClinVar:

ClinVar aggregate classification (germline): Uncertain significance. Review status: criteria provided, multiple submitters, no conflicts (2 of 4 stars). 2 submissions from 2 submitters: Uncertain significance (2). Last evaluated 2025-07-30.

gnomAD v4.1: 210 of 1,614,082 alleles (0.013%); highest among the groups gnomAD compares: Admixed American, 0.085%; no homozygotes.

Submissions (2):

Athena Diagnostics
Classification: Uncertain significance. Last evaluated: 2025-07-30. Review status: criteria provided, single submitter. Criteria: Athena Diagnostics Criteria. Collection method: clinical testing. Allele origin: unknown.
Comment: Available data are insufficient to determine the clinical significance of the variant at this time. The frequency of this variant in the general population is higher than would generally be expected for pathogenic variants in this gene. Polyphen and MutationTaster predict this amino acid change may be benign.

Dasa
Classification: Uncertain significance. Last evaluated: 2025-02-27. Review status: criteria provided, single submitter. Criteria: DASA Assertion Criteria. Collection method: clinical testing. Allele origin: germline.
Comment: NM_182961.4(SYNE1):c.11820G>C (p.Gln3940His) is a missense variant that results in the substitution of glutamine with histidine. This variant is rare in population databases. Computational prediction algorithms are consistent with a benign effect. The currently available literature and clinical evidence are not sufficient to establish a definitive association between this variant and the reported condition. Therefore, this variant is classified as a variant of uncertain significance.

NM_182961.4(SYNE1):c.11820G>C (p.Gln3940His)

Gene: SYNE1 (spectrin repeat containing nuclear envelope protein 1; minus strand). Cytogenetic location: 6q25.2.
Variant type: single nucleotide variant.
Coding change: c.11820G>C on transcript NM_182961.4 (MANE Select); coding-DNA position 11820, G replaced by C.
Protein change: p.Gln3940His; replaces glutamine 3940 with histidine.
Molecular consequence: missense variant. On other transcripts: intron variant (1).
Genome position (GRCh38, 1-based): chr6:152,350,249, C>G on the plus strand (G>C on the coding strand, the complement: SYNE1 is on the minus strand). VCF-style: chr6-152350249-C-G. GRCh37 (hg19) VCF-style: chr6-152671384-C-G.
Other names: c.11688+369G>C (NM_033071.5); short protein forms Q3940H.
Identifiers: ClinVar variation 4682214 (VCV004682214.3).